The following is an entry in ClinVar:

ClinVar aggregate classification (germline): Uncertain significance (1 of 4 stars; one submission).

Conditions:
Cranium bifidum occultum. Also called: CATLIN MARKS; Enlarged Parietal Foramina; CRANIUM BIFIDUM, HEREDITARY. Identifiers: MedGen C1868598, HP:0004423.

Submission:

Labcorp Genetics (formerly Invitae), Labcorp
Classification: Uncertain significance for Cranium bifidum occultum. Last evaluated: 2025-05-26. Review status: criteria provided, single submitter. Criteria: Invitae Variant Classification Sherloc (09022015). Collection method: clinical testing. Allele origin: germline.
Comment: This sequence change replaces leucine, which is neutral and non-polar, with proline, which is neutral and non-polar, at codon 81 of the MSX2 protein (p.Leu81Pro). This variant is not present in population databases (gnomAD no frequency). This variant has not been reported in the literature in individuals affected with MSX2-related conditions. Invitae Evidence Modeling of protein sequence and biophysical properties (such as structural, functional, and spatial information, amino acid conservation, physicochemical variation, residue mobility, and thermodynamic stability) indicates that this missense variant is not expected to disrupt MSX2 protein function with a negative predictive value of 80%. In summary, the available evidence is currently insufficient to determine the role of this variant in disease. Therefore, it has been classified as a Variant of Uncertain Significance.

NM_002449.5(MSX2):c.242T>C (p.Leu81Pro)

Gene: MSX2 (msh homeobox 2; plus strand). Cytogenetic location: 5q35.2.
Variant type: single nucleotide variant.
Coding change: c.242T>C on transcript NM_002449.5 (MANE Select); coding-DNA position 242, T replaced by C.
Protein change: p.Leu81Pro; replaces leucine 81 with proline.
Molecular consequence: missense variant.
Genome position (GRCh38, 1-based): chr5:174,724,901, T>C. VCF-style: chr5-174724901-T-C. GRCh37 (hg19) VCF-style: chr5-174151904-T-C.
Other names: c.242T>C, p.Leu81Pro (NM_001363626.2); short protein forms L81P.
Identifiers: ClinVar variation 4753904 (VCV004753904.1).